The following is an entry in ClinVar:

NM_006506.5(RASA2):c.1168C>A (p.Gln390Lys)

Gene: RASA2 (RAS p21 protein activator 2; plus strand). Cytogenetic location: 3q23.
Variant type: single nucleotide variant.
Coding change: c.1168C>A on transcript NM_006506.5 (MANE Select); coding-DNA position 1168, C replaced by A.
Protein change: p.Gln390Lys; replaces glutamine 390 with lysine.
Molecular consequence: missense variant.
Genome position (GRCh38, 1-based): chr3:141,571,553, C>A. VCF-style: chr3-141571553-C-A. GRCh37 (hg19) VCF-style: chr3-141290395-C-A.
Other names: c.1168C>A, p.Gln390Lys (NM_001303245.3, NM_001303246.3); short protein forms Q390K.
Identifiers: ClinVar variation 3786979 (VCV003786979.2).

ClinVar aggregate classification (germline): Uncertain significance. Review status: criteria provided, multiple submitters, no conflicts (2 of 4 stars). 2 submissions from 2 submitters: Uncertain significance (2). Last evaluated 2025-02-27.

Submissions (2):

Ambry Genetics
Classification: Uncertain significance. Last evaluated: 2025-02-27. Review status: criteria provided, single submitter. Criteria: Ambry Variant Classification Scheme 2023. Collection method: clinical testing. Allele origin: germline.
Comment: The p.Q390K variant (also known as c.1168C>A), located in coding exon 11 of the RASA2 gene, results from a C to A substitution at nucleotide position 1168. The glutamine at codon 390 is replaced by lysine, an amino acid with similar properties. This amino acid position is conserved. In addition, this alteration is predicted to be tolerated by in silico analysis. Based on the available evidence, the clinical significance of this variant remains unclear.

Labcorp Genetics (formerly Invitae), Labcorp
Classification: Uncertain significance. Last evaluated: 2025-02-10. Review status: criteria provided, single submitter. Criteria: Invitae Variant Classification Sherloc (09022015). Collection method: clinical testing. Allele origin: germline.
Comment: This sequence change replaces glutamine, which is neutral and polar, with lysine, which is basic and polar, at codon 390 of the RASA2 protein (p.Gln390Lys). This variant is not present in population databases (gnomAD no frequency). This variant has not been reported in the literature in individuals affected with RASA2-related conditions. An algorithm developed to predict the effect of missense changes on protein structure and function (PolyPhen-2) suggests that this variant is likely to be tolerated. In summary, the available evidence is currently insufficient to determine the role of this variant in disease. Therefore, it has been classified as a Variant of Uncertain Significance.